The following is an entry in ClinVar:

NM_000093.5(COL5A1):c.1204G>T (p.Gly402Trp)

Gene: COL5A1 (collagen type V alpha 1 chain; plus strand). Cytogenetic location: 9q34.3.
Variant type: single nucleotide variant.
Coding change: c.1204G>T on transcript NM_000093.5 (MANE Select); coding-DNA position 1204, G replaced by T.
Protein change: p.Gly402Trp; replaces glycine 402 with tryptophan.
Molecular consequence: missense variant.
Genome position (GRCh38, 1-based): chr9:134,731,535, G>T. VCF-style: chr9-134731535-G-T. GRCh37 (hg19) VCF-style: chr9-137623381-G-T.
Other names: c.1204G>T, p.Gly402Trp (NM_001278074.1); short protein forms G402W.
Identifiers: ClinVar variation 2887321 (VCV002887321.3), dbSNP rs971542908, ClinGen allele CA375450709.
Genomic context (GRCh38, chr9:134,731,535, plus strand): 5'-CGCCTTCCTCTCCCTCTGCAGCCAGCTCCGCCTCCAGGGGAAGGTGCGGATGACTTGGAG[G>T]GGGAGTTCACTGAGGAAACGATCCGGAACCTTGACGAGAACTACTACGACCCCTACTACG-3'
Protein context (NP_000084.3, residues 392-412): PPGEGADDLE[Gly402Trp]EFTEETIRNL

ClinVar aggregate classification (germline): Uncertain significance (1 of 4 stars; one submission).

Conditions:
Ehlers-Danlos syndrome, classic type, 1 (EDSCL1). Also called: EDS I; EHLERS-DANLOS SYNDROME, GRAVIS TYPE; EHLERS-DANLOS SYNDROME, SEVERE CLASSIC TYPE; Ehlers-Danlos syndrome, type 1; Ehlers-Danlos Syndrome, Classic Type, COL5A1-Related. Identifiers: MedGen C0268335, MONDO:0019567, OMIM 130000.

Submission:

Labcorp Genetics (formerly Invitae), Labcorp
Classification: Uncertain significance for Ehlers-Danlos syndrome, classic type, 1. Last evaluated: 2023-07-14. Review status: criteria provided, single submitter. Criteria: Invitae Variant Classification Sherloc (09022015). Collection method: clinical testing. Allele origin: germline.
Comment: In summary, the available evidence is currently insufficient to determine the role of this variant in disease. Therefore, it has been classified as a Variant of Uncertain Significance. Advanced modeling of protein sequence and biophysical properties (such as structural, functional, and spatial information, amino acid conservation, physicochemical variation, residue mobility, and thermodynamic stability) performed at Invitae indicates that this missense variant is not expected to disrupt COL5A1 protein function. This variant has not been reported in the literature in individuals affected with COL5A1-related conditions. This variant is not present in population databases (gnomAD no frequency). This sequence change replaces glycine, which is neutral and non-polar, with tryptophan, which is neutral and slightly polar, at codon 402 of the COL5A1 protein (p.Gly402Trp).